The following is an entry in ClinVar:

NM_003072.5(SMARCA4):c.4664C>T (p.Ser1555Leu)

Gene: SMARCA4 (SWI/SNF related BAF chromatin remodeling complex subunit ATPase 4; plus strand). Cytogenetic location: 19p13.2.
Variant type: single nucleotide variant.
Coding change: c.4664C>T on transcript NM_003072.5 (MANE Select); coding-DNA position 4664, C replaced by T.
Protein change: p.Ser1555Leu; replaces serine 1555 with leucine.
Molecular consequence: missense variant. On other transcripts: non-coding transcript variant (1).
Genome position (GRCh38, 1-based): chr19:11,059,781, C>T. VCF-style: chr19-11059781-C-T. GRCh37 (hg19) VCF-style: chr19-11170457-C-T.
Other names: c.4664C>T, p.Ser1555Leu (NM_001128844.3); c.4574C>T, p.Ser1525Leu (NM_001128845.2); c.4571C>T, p.Ser1524Leu (NM_001128846.2); c.4565C>T, p.Ser1522Leu (NM_001128847.4, NM_001374457.1); c.4562C>T, p.Ser1521Leu (NM_001128848.2); c.4760C>T, p.Ser1587Leu (NM_001128849.3, NM_001387283.1); c.4760C>T (NM_001128849.2); short protein forms S1587L, S1525L, S1524L, S1555L, S1521L, S1522L.
Identifiers: ClinVar variation 391153 (VCV000391153.19), dbSNP rs1057523990, ClinGen allele CA16607684.

ClinVar aggregate classification (germline): Conflicting classifications of pathogenicity. Review status: criteria provided, conflicting classifications (1 of 4 stars). 7 submissions from 7 submitters: Uncertain significance (6); Likely benign (1). Last evaluated 2026-04-09.

Conditions:
Hereditary cancer-predisposing syndrome. Also called: Tumor predisposition; Hereditary neoplastic syndrome; Neoplastic Syndromes, Hereditary; Hereditary Cancer Syndrome. Identifiers: Orphanet 140162, MedGen C0027672, MeSH D009386, MONDO:0015356.
Intellectual disability, autosomal dominant 16 (CSS4). Also called: COFFIN-SIRIS SYNDROME 4. Identifiers: Orphanet 1465, MedGen C3553249, MONDO:0013821, OMIM 614609.
Rhabdoid tumor predisposition syndrome 2 (RTPS2). Identifiers: Orphanet 231108, Orphanet 69077, MedGen C2750074, MONDO:0013224, OMIM 613325.
Otosclerosis 12. Identifiers: MedGen C5935610, MONDO:0968980, OMIM 620792.

Allele frequency attached by ClinVar (database versions not stated): gnomAD exomes 0.00001; TOPMed 0.00001.
gnomAD v4.1: 11 of 1,596,736 alleles (0.00069%); highest among the groups gnomAD compares: Admixed American, 0.0018%; no homozygotes.

Submissions (7):

Women's Health and Genetics/Laboratory Corporation of America, LabCorp
Classification: Uncertain significance. Last evaluated: 2026-04-09. Review status: criteria provided, single submitter. Criteria: LabCorp Variant Classification Summary - May 2015. Collection method: clinical testing. Allele origin: germline.
Comment: Variant summary: SMARCA4 c.4760C>T (p.Ser1587Leu) results in a non-conservative amino acid change in the encoded protein sequence. Algorithms developed to predict the effect of missense changes on protein structure and function are either unavailable or do not agree on the potential impact of this missense change. The variant allele was found at a frequency of 9.2e-06 in 217648 control chromosomes. The available data on variant occurrences in the general population are insufficient to allow any conclusion about variant significance. To our knowledge, no occurrence of c.4760C>T in individuals affected with SMARCA4-related conditions and no experimental evidence demonstrating its impact on protein function have been reported. ClinVar contains an entry for this variant (Variation ID: 391153). Based on the evidence outlined above, the variant was classified as uncertain significance.

Labcorp Genetics (formerly Invitae), Labcorp
Classification: Uncertain significance for Rhabdoid tumor predisposition syndrome 2. Last evaluated: 2025-05-26. Review status: criteria provided, single submitter. Criteria: Invitae Variant Classification Sherloc (09022015). Collection method: clinical testing. Allele origin: germline.
Comment: This sequence change replaces serine, which is neutral and polar, with leucine, which is neutral and non-polar, at codon 1587 of the SMARCA4 protein (p.Ser1587Leu). This variant is present in population databases (no rsID available, gnomAD 0.003%). This variant has not been reported in the literature in individuals affected with SMARCA4-related conditions. ClinVar contains an entry for this variant (Variation ID: 391153). Invitae Evidence Modeling of protein sequence and biophysical properties (such as structural, functional, and spatial information, amino acid conservation, physicochemical variation, residue mobility, and thermodynamic stability) indicates that this missense variant is expected to disrupt SMARCA4 protein function with a positive predictive value of 95%. RNA analysis performed to evaluate the impact of this missense change on mRNA splicing indicates it does not significantly alter splicing (internal data). In summary, the available evidence is currently insufficient to determine the role of this variant in disease. Therefore, it has been classified as a Variant of Uncertain Significance.

Fulgent Genetics
Classification: Uncertain significance for Rhabdoid tumor predisposition syndrome 2; Intellectual disability, autosomal dominant 16; Otosclerosis 12. Last evaluated: 2024-03-25. Review status: criteria provided, single submitter. Criteria: ACMG Guidelines, 2015. Collection method: clinical testing. Allele origin: germline.

Baylor Genetics
Classification: Uncertain significance for Rhabdoid tumor predisposition syndrome 2. Last evaluated: 2023-11-17. Review status: criteria provided, single submitter. Criteria: ACMG Guidelines, 2015. Collection method: clinical testing. Allele origin: unknown.

Ambry Genetics
Classification: Likely benign for Hereditary cancer-predisposing syndrome. Last evaluated: 2023-02-27. Review status: criteria provided, single submitter. Criteria: Ambry Variant Classification Scheme 2023. Collection method: clinical testing. Allele origin: germline.

Genome-Nilou Lab
Classification: Uncertain significance for Intellectual disability, autosomal dominant 16. Last evaluated: 2021-07-15. Review status: criteria provided, single submitter. Criteria: ACMG Guidelines, 2015. Collection method: clinical testing. Allele origin: germline. Affected: no.

GeneDx
Classification: Uncertain significance. Last evaluated: 2016-12-14. Review status: criteria provided, single submitter. Criteria: GeneDx Variant Classification (06012015). Collection method: clinical testing. Allele origin: germline. Affected: yes.
Comment: The S1587L variant in the SMARCA4 gene has not been reported previously as a pathogenic variant, nor as a benign variant, to our knowledge. The S1587L variant was not observed in approximately 6500 individuals of European and African American ancestry in the NHLBI Exome Sequencing Project, indicating it is not a common benign variant in these populations. The S1587L variant is a non-conservative amino acid substitution, which is likely to impact secondary protein structure as these residues differ in polarity, charge, size and/or other properties. This substitution occurs at a position that is conserved across species. In silico analysis predicts this variant is probably damaging to the protein structure/function. As an alternate mechanism, multiple in silico algorithms predict that c.4760 C>T (aka S1587L) might create a cryptic splice acceptor site in exon 34 which may supplant the natural acceptor site. However, in the absence of RNA/functional studies, the actual effect of c.4760 C>T in this individual is unknown. We interpret S1587L as a variant of uncertain significance.